The following is an entry in ClinVar:

NM_000051.4(ATM):c.1694A>C (p.Glu565Ala)

Gene: ATM (ATM serine/threonine kinase; plus strand). Cytogenetic location: 11q22.3.
Variant type: single nucleotide variant.
Coding change: c.1694A>C on transcript NM_000051.4 (MANE Select); coding-DNA position 1694, A replaced by C.
Protein change: p.Glu565Ala; replaces glutamic acid 565 with alanine.
Molecular consequence: missense variant.
Genome position (GRCh38, 1-based): chr11:108,251,923, A>C. VCF-style: chr11-108251923-A-C. GRCh37 (hg19) VCF-style: chr11-108122650-A-C.
Other names: c.1694A>C, p.Glu565Ala (NM_001351834.2); short protein forms E565A.
Identifiers: ClinVar variation 3967029 (VCV003967029.1).

ClinVar aggregate classification (germline): Uncertain significance (1 of 4 stars; one submission).

Conditions:
Hereditary cancer-predisposing syndrome. Also called: Tumor predisposition; Hereditary neoplastic syndrome; Hereditary Cancer Syndrome; Neoplastic Syndromes, Hereditary. Identifiers: Orphanet 140162, MedGen C0027672, MeSH D009386, MONDO:0015356.

Submission:

Ambry Genetics
Classification: Uncertain significance for Hereditary cancer-predisposing syndrome. Last evaluated: 2025-05-11. Review status: criteria provided, single submitter. Criteria: Ambry Variant Classification Scheme 2023. Collection method: clinical testing. Allele origin: germline.
Comment: The p.E565A variant (also known as c.1694A>C), located in coding exon 10 of the ATM gene, results from an A to C substitution at nucleotide position 1694. The glutamic acid at codon 565 is replaced by alanine, an amino acid with dissimilar properties. This amino acid position is conserved. In addition, this alteration is predicted to be tolerated by in silico analysis. Based on the available evidence, the clinical significance of this variant remains unclear.